The following is an entry in ClinVar:

ClinVar aggregate classification (germline): Benign (1 of 4 stars; one submission).

Conditions:
Isolated focal non-epidermolytic palmoplantar keratoderma. Also called: Palmoplantar keratoderma, nonepidermolytic, focal 2. Identifiers: Orphanet 448264, MedGen C4225339, MONDO:0014622, OMIM 616400.

Allele frequency attached by ClinVar (database versions not stated): TOPMed 0.00198; 1000 Genomes Project 0.00220; 1000 Genomes Project 30x 0.00219.

Submission:

Illumina Laboratory Services, Illumina
Classification: Benign for Isolated focal non-epidermolytic palmoplantar keratoderma. Last evaluated: 2018-03-20. Review status: criteria provided, single submitter. Criteria: ICSL Variant Classification Criteria 13 December 2019. Collection method: clinical testing. Allele origin: germline.
Comment: This variant was observed in the ICSL laboratory as part of a predisposition screen in an ostensibly healthy population. It had not been previously curated by ICSL or reported in the Human Gene Mutation Database (HGMD: prior to June 1st, 2018), and was therefore a candidate for classification through an automated scoring system. Utilizing variant allele frequency, disease prevalence and penetrance estimates, and inheritance mode, an automated score was calculated to assess if this variant is too frequent to cause the disease. Based on the score and internal cut-off values, a variant classified as benign is not then subjected to further curation. The score for this variant resulted in a classification of benign for this disease.

NM_145068.4(TRPV3):c.*3155G>A

Genes: SPATA22 (spermatogenesis associated 22; minus strand), TRPV3 (transient receptor potential cation channel subfamily V member 3; minus strand). Cytogenetic location: 17p13.2.
Variant type: single nucleotide variant.
Coding change: c.*3155G>A on transcript NM_145068.4 (MANE Select); 3155 bases downstream of the stop codon, G replaced by A.
Molecular consequence: 3 prime UTR variant. On other transcripts: intron variant (2).
Genome position (GRCh38, 1-based): chr17:3,510,762, C>T on the plus strand (G>A on the coding strand, the complement: TRPV3 is on the minus strand). VCF-style: chr17-3510762-C-T. GRCh37 (hg19) VCF-style: chr17-3414056-C-T.
Other names: c.*3155G>A (NM_001258205.2); c.-74+2650G>A (NM_001321336.2, NM_001321337.2).
Identifiers: ClinVar variation 888619 (VCV000888619.6), dbSNP rs150072559, ClinGen allele CA286986980.
Genomic context (GRCh38, chr17:3,510,762, plus strand): 5'-ACCAAGATCACAGTAAAAAATATGTAAATCAATGCAGAAATCAAGTACGGCTTACAGGCC[C>T]GGATGACGGCCCATCTACCTGGGCCCTGCCCAGAGCGAAAGGTCACAGGTCACCAGGCCT-3'